The following is an entry in ClinVar:

ClinVar aggregate classification (germline): Uncertain significance (1 of 4 stars; one submission).

Allele frequency attached by ClinVar (database versions not stated): gnomAD exomes below 0.00001; gnomAD 0.00001.
gnomAD v4.1: 5 of 1,614,038 alleles (0.00031%); highest among the groups gnomAD compares: African/African-American, 0.0013%; no homozygotes.

Submission:

Labcorp Genetics (formerly Invitae), Labcorp
Classification: Uncertain significance. Last evaluated: 2022-05-21. Review status: criteria provided, single submitter. Criteria: Invitae Variant Classification Sherloc (09022015). Collection method: clinical testing. Allele origin: germline.
Comment: This sequence change replaces asparagine, which is neutral and polar, with aspartic acid, which is acidic and polar, at codon 829 of the CENPJ protein (p.Asn829Asp). This variant is not present in population databases (gnomAD no frequency). This variant has not been reported in the literature in individuals affected with CENPJ-related conditions. Algorithms developed to predict the effect of missense changes on protein structure and function output the following: SIFT: "Tolerated"; PolyPhen-2: "Benign"; Align-GVGD: "Class C0". The aspartic acid amino acid residue is found in multiple mammalian species, which suggests that this missense change does not adversely affect protein function. In summary, the available evidence is currently insufficient to determine the role of this variant in disease. Therefore, it has been classified as a Variant of Uncertain Significance.

NM_018451.5(CPAP):c.2485A>G (p.Asn829Asp)

Gene: CPAP (centrosome assembly and centriole elongation protein; minus strand). Cytogenetic location: 13q12.13.
Variant type: single nucleotide variant.
Coding change: c.2485A>G on transcript NM_018451.5 (MANE Select); coding-DNA position 2485, A replaced by G.
Protein change: p.Asn829Asp; replaces asparagine 829 with aspartic acid.
Molecular consequence: missense variant. On other transcripts: non-coding transcript variant (2).
Genome position (GRCh38, 1-based): chr13:24,905,553, T>C on the plus strand (A>G on the coding strand, the complement: CPAP is on the minus strand). VCF-style: chr13-24905553-T-C. GRCh37 (hg19) VCF-style: chr13-25479691-T-C.
Other names: short protein forms N829D.
Identifiers: ClinVar variation 1984852 (VCV001984852.4), dbSNP rs1954510411, ClinGen allele CA387584869.
Genomic context (GRCh38, chr13:24,905,553, plus strand): 5'-CTCCCCTCTTGACTGGTGCAATCTTCCTTTTTATTGTTTTGTCCAGGATACCTATTTCAT[T>C]ATTAGGGTAGCATGTCTGCGGCGTCCCATAAGTGGATTCATTCCCAAGAACAACATCATG-3'
Protein context (NP_060921.3, residues 819-839): YGTPQTCYPN[Asn829Asp]EIGILDKTIK